The following is an entry in ClinVar:

NM_177438.3(DICER1):c.4031C>G (p.Ser1344Ter)

Gene: DICER1 (dicer 1, ribonuclease III; minus strand). Cytogenetic location: 14q32.13.
Variant type: single nucleotide variant.
Coding change: c.4031C>G on transcript NM_177438.3 (MANE Select); coding-DNA position 4031, C replaced by G.
Protein change: p.Ser1344Ter; replaces serine 1344 with a stop codon.
Molecular consequence: nonsense.
Genome position (GRCh38, 1-based): chr14:95,103,365, G>C on the plus strand (C>G on the coding strand, the complement: DICER1 is on the minus strand). VCF-style: chr14-95103365-G-C. GRCh37 (hg19) VCF-style: chr14-95569702-G-C.
Other names: c.4031C>G, p.Ser1344Ter (NM_001195573.1, NM_001271282.3, NM_001291628.2 and 1 more transcripts); short protein forms S1344*.
Identifiers: ClinVar variation 582884 (VCV000582884.10), dbSNP rs1566766572, ClinGen allele CA390872919.

ClinVar aggregate classification (germline): Pathogenic (1 of 4 stars; one submission).

Conditions:
DICER1-related tumor predisposition. Also called: DICER1 syndrome; DICER1-related pleuropulmonary blastoma cancer predisposition syndrome. Identifiers: Orphanet 284343, MedGen C3839822, MONDO:0100216.

Submission:

Labcorp Genetics (formerly Invitae), Labcorp
Classification: Pathogenic for DICER1-related tumor predisposition. Last evaluated: 2018-04-25. Review status: criteria provided, single submitter. Criteria: Invitae Variant Classification Sherloc (09022015). Collection method: clinical testing. Allele origin: germline.
Comment: This sequence change creates a premature translational stop signal (p.Ser1344*) in the DICER1 gene. It is expected to result in an absent or disrupted protein product. This variant is not present in population databases (ExAC no frequency). For these reasons, this variant has been classified as Pathogenic. Loss-of-function variants in DICER1 are known to be pathogenic (PMID: 19556464, 21266384).

Literature cited by the submitters: PubMed 19556464; PubMed 21266384.